The following is an entry in ClinVar:

NM_001330311.2(DVL1):c.1714+14C>T

Genes: DVL1 (dishevelled segment polarity protein 1; minus strand), LOC129929114 (ATAC-STARR-seq lymphoblastoid silent region 61; plus strand). Cytogenetic location: 1p36.33.
Variant type: single nucleotide variant.
Coding change: c.1714+14C>T on transcript NM_001330311.2 (MANE Select); 14 bases into the intron after coding-DNA position 1714, C replaced by T.
Molecular consequence: intron variant.
Genome position (GRCh38, 1-based): chr1:1,337,963, G>A on the plus strand (C>T on the coding strand, the complement: DVL1 is on the minus strand). VCF-style: chr1-1337963-G-A. GRCh37 (hg19) VCF-style: chr1-1273343-G-A.
Other names: c.1639+14C>T (NM_004421.3).
Identifiers: ClinVar variation 1670911 (VCV001670911.10), dbSNP rs764216100, ClinGen allele CA519948.

ClinVar aggregate classification (germline): Likely benign. Review status: criteria provided, multiple submitters, no conflicts (2 of 4 stars). 3 submissions from 3 submitters: Likely benign (3). Last evaluated 2025-12-17.

Allele frequency attached by ClinVar (database versions not stated): gnomAD exomes below 0.00001; ExAC 0.00001.
gnomAD v4.1: 2 of 1,607,780 alleles (0.00012%); highest among the groups gnomAD compares: South Asian, 0.0011%; no homozygotes.

Submissions (3):

Women's Health and Genetics/Laboratory Corporation of America, LabCorp
Classification: Likely benign. Last evaluated: 2025-12-17. Review status: criteria provided, single submitter. Criteria: LabCorp Variant Classification Summary - May 2015. Collection method: clinical testing. Allele origin: germline.
Comment: Variant summary: DVL1 c.1639+14C>T alters a nucleotide located at a position not widely known to affect splicing. Consensus agreement among computation tools predict no significant impact on normal splicing. However, these predictions have yet to be confirmed by functional studies. The frequency data for this variant in gnomAD is considered unreliable, as metrics indicate poor data quality at this position. To our knowledge, no occurrence of c.1639+14C>T in individuals affected with DVL1-related conditions and no experimental evidence demonstrating its impact on protein function have been reported. ClinVar contains an entry for this variant (Variation ID: 1670911). Based on the evidence outlined above, the variant was classified as likely benign.

Labcorp Genetics (formerly Invitae), Labcorp
Classification: Likely benign. Last evaluated: 2024-02-24. Review status: criteria provided, single submitter. Criteria: Invitae Variant Classification Sherloc (09022015). Collection method: clinical testing. Allele origin: germline.

Breakthrough Genomics
Classification: Likely benign. Review status: criteria provided, single submitter. Criteria: ACMG Guidelines, 2015. Collection method: not provided. Allele origin: germline. Inheritance: Autosomal dominant inheritance. Affected: yes.